The following is an entry in ClinVar:

ClinVar aggregate classification (germline): Conflicting classifications of pathogenicity. Review status: criteria provided, conflicting classifications (1 of 4 stars). 7 submissions from 7 submitters: Uncertain significance (5); Likely benign (1). 1 of the submissions does not count toward it. Last evaluated 2025-10-14.

Conditions:
Hereditary cancer-predisposing syndrome. Also called: Tumor predisposition; Hereditary Cancer Syndrome; Neoplastic Syndromes, Hereditary; Hereditary neoplastic syndrome. Identifiers: Orphanet 140162, MedGen C0027672, MeSH D009386, MONDO:0015356.
Breast-ovarian cancer, familial, susceptibility to, 1 (BROVCA1). Also called: BRCA1 Hereditary Breast and Ovarian Cancer; OVARIAN CANCER, SUSCEPTIBILITY TO. Identifiers: Orphanet 145, MedGen C2676676, MONDO:0011450, OMIM 604370. Disease mechanism: loss of function.
Hereditary breast ovarian cancer syndrome. Also called: Breast and ovarian cancer; Hereditary breast and ovarian cancer; Hereditary breast and ovarian cancer syndrome; Hereditary breast and/or ovarian cancer syndrome; BRCA1- and BRCA2-Associated Hereditary Breast and Ovarian Cancer; Hereditary breast and ovarian cancer syndrome (HBOC). Identifiers: Orphanet 145, MedGen C0677776, MeSH D061325, MONDO:0003582. Disease mechanism: loss of function.

Allele frequency attached by ClinVar (database versions not stated): TOPMed below 0.00001; ExAC 0.00001; gnomAD 0.00001; gnomAD exomes 0.00001.
gnomAD v4.1: 5 of 1,613,666 alleles (0.00031%); highest among the groups gnomAD compares: Admixed American, 0.0083%; no homozygotes.

Submissions (7):

Labcorp Genetics (formerly Invitae), Labcorp
Classification: Uncertain significance for Hereditary breast ovarian cancer syndrome. Last evaluated: 2025-10-14. Review status: criteria provided, single submitter. Criteria: Invitae Variant Classification Sherloc (09022015). Collection method: clinical testing. Allele origin: germline.
Comment: This sequence change replaces glutamic acid, which is acidic and polar, with valine, which is neutral and non-polar, at codon 1134 of the BRCA1 protein (p.Glu1134Val). This variant is present in population databases (rs762744684, gnomAD 0.009%). This variant has not been reported in the literature in individuals affected with BRCA1-related conditions. ClinVar contains an entry for this variant (Variation ID: 233080). Invitae Evidence Modeling of protein sequence and biophysical properties (such as structural, functional, and spatial information, amino acid conservation, physicochemical variation, residue mobility, and thermodynamic stability) indicates that this missense variant is expected to disrupt BRCA1 protein function with a positive predictive value of 80%. In summary, the available evidence is currently insufficient to determine the role of this variant in disease. Therefore, it has been classified as a Variant of Uncertain Significance.

Quest Diagnostics Nichols Institute San Juan Capistrano
Classification: Uncertain significance. Last evaluated: 2025-04-15. Review status: criteria provided, single submitter. Criteria: Quest Diagnostics criteria. Collection method: clinical testing. Allele origin: unknown.
Comment: The BRCA1 c.3401A>T (p.Glu1134Val) variant has been reported in the published literature in an individual undergoing genetic testing for hereditary cancer (PMID: 31853058 (2020)), and described to be located in a region of the BRCA1 gene that is tolerant to missense sequence changes (PMID: 31911673 (2020)). The frequency of this variant in the general population (Genome Aggregation Database) is uninformative in the assessment of its pathogenicity. Analysis of this variant using bioinformatics tools for the prediction of the effect of amino acid changes on protein structure and function yielded conflicting predictions that this variant is benign or damaging. Based on the available information, we are unable to determine the clinical significance of this variant.

Ambry Genetics
Classification: Uncertain significance for Hereditary cancer-predisposing syndrome. Last evaluated: 2025-02-22. Review status: criteria provided, single submitter. Criteria: Ambry Variant Classification Scheme 2023. Collection method: clinical testing. Allele origin: germline.
Comment: The p.E1134V variant (also known as c.3401A>T), located in coding exon 9 of the BRCA1 gene, results from an A to T substitution at nucleotide position 3401. The glutamic acid at codon 1134 is replaced by valine, an amino acid with dissimilar properties. This amino acid position is well conserved in available vertebrate species. In addition, the in silico prediction for this alteration is inconclusive. Since supporting evidence is limited at this time, the clinical significance of this alteration remains unclear.

GeneDx
Classification: Uncertain significance. Last evaluated: 2024-12-17. Review status: criteria provided, single submitter. Criteria: GeneDx Variant Classification Process June 2021. Collection method: clinical testing. Allele origin: germline. Affected: yes.
Comment: Identified in individuals referred for multi-gene panel testing with personal or family history of cancer (PMID: 30630528, 31853058); Not observed at significant frequency in large population cohorts (gnomAD); In silico analysis supports that this missense variant has a deleterious effect on protein structure/function; Also known as 3520A>T; This variant is associated with the following publications: (PMID: 16616110, 30630528, 29884841, 31911673, 31853058, 32377563)

All of Us Research Program, National Institutes of Health
Classification: Uncertain significance for Breast-ovarian cancer, familial, susceptibility to, 1. Last evaluated: 2023-08-15. Review status: criteria provided, single submitter. Criteria: ACMG Guidelines, 2015. Collection method: clinical testing. Allele origin: germline. Inheritance: Autosomal dominant inheritance. Observed: 2 variant alleles, 2 heterozygotes.
Comment: This missense variant replaces glutamic acid with valine at codon 1134 of the BRCA1 protein. Computational prediction is inconclusive regarding the impact of this variant on protein structure and function (internally defined REVEL score threshold 0.5 < inconclusive < 0.7, PMID: 27666373). To our knowledge, functional studies have not been reported for this variant. This variant has not been reported in individuals affected with hereditary cancer in the literature. This variant has been identified in 3/250826 chromosomes in the general population by the Genome Aggregation Database (gnomAD). The available evidence is insufficient to determine the role of this variant in disease conclusively. Therefore, this variant is classified as a Variant of Uncertain Significance.

This study involves interpretation of variants in research participants for the purpose of population health screening. Participant phenotype was not available at the time of variant classification. Additional details can be found in publication PMID: 35346344, PMCID: PMC8962531

University of Washington Department of Laboratory Medicine, University of Washington
Classification: Likely benign for Hereditary cancer-predisposing syndrome. Last evaluated: 2023-03-23. Review status: criteria provided, single submitter. Criteria: Dines et al. (Genet Med. 2020). Collection method: curation. Allele origin: germline.
Comment: Missense variant in a coldspot region where missense variants are very unlikely to be pathogenic (PMID:31911673).

BRCA1 coldspot (exon 11 using historical exon numbering). Reclassification based on statistical prior probability

Counsyl
Classification: Uncertain significance for Breast-ovarian cancer, familial, susceptibility to, 1. Last evaluated: 2018-04-06. Review status: no assertion criteria provided. Collection method: clinical testing. Allele origin: unknown. Not counted in ClinVar's aggregate classification.

Literature cited by the submitters: PubMed 31911673 (cited by Quest Diagnostics Nichols Institute San Juan Capistrano); PubMed 31853058 (cited by Quest Diagnostics Nichols Institute San Juan Capistrano); PubMed 16616110 (cited by Counsyl).

NM_007294.4(BRCA1):c.3401A>T (p.Glu1134Val)

Genes: BRCA1 (BRCA1 DNA repair associated; minus strand), LOC126862571 (BRD4-independent group 4 enhancer GRCh37_chr17:41243136-41244335; plus strand). Cytogenetic location: 17q21.31.
Variant type: single nucleotide variant.
Coding change: c.3401A>T on transcript NM_007294.4 (MANE Select); coding-DNA position 3401, A replaced by T.
Protein change: p.Glu1134Val; replaces glutamic acid 1134 with valine.
Molecular consequence: missense variant. On other transcripts: intron variant (135).
Genome position (GRCh38, 1-based): chr17:43,092,130, T>A on the plus strand (A>T on the coding strand, the complement: BRCA1 is on the minus strand). VCF-style: chr17-43092130-T-A. GRCh37 (hg19) VCF-style: chr17-41244147-T-A.
Other names: c.3188A>T, p.Glu1063Val (NM_001407571.1, NM_001407853.1, NM_001407894.1 and 9 more transcripts); c.3401A>T, p.Glu1134Val (NM_001407581.1, NM_001407582.1, NM_001407583.1 and 30 more transcripts); c.3398A>T, p.Glu1133Val (NM_001407587.1, NM_001407590.1, NM_001407591.1 and 22 more transcripts); c.3392A>T, p.Glu1131Val (NM_001407646.1, NM_001407647.1); c.3278A>T, p.Glu1093Val (NM_001407648.1, NM_001407664.1, NM_001407665.1 and 19 more transcripts); c.3275A>T, p.Glu1092Val (NM_001407649.1, NM_001407670.1, NM_001407671.1 and 11 more transcripts); c.3323A>T, p.Glu1108Val (NM_001407653.1, NM_001407654.1, NM_001407655.1 and 4 more transcripts); c.3320A>T, p.Glu1107Val (NM_001407659.1, NM_001407660.1, NM_001407661.1 and 1 more transcripts); and 41 more; short protein forms E1134V, E1087V, E1006V, E1066V, E1086V, E1107V, E1133V, E966V.
Identifiers: ClinVar variation 233080 (VCV000233080.25), dbSNP rs762744684, ClinGen allele CA057907.
Genomic context (GRCh38, chr17:43,092,130, plus strand): 5'-AACAGGTCATCAGGTGTCTCAGAACAAACCTGAGATGCATGACTACTTCCCATAGGCTGT[T>A]CTAAGTTATCTGAAATCAGATATGGAGAGAAATCTGTATTAACAGTCTGAACTACTTCTT-3'
Protein context (NP_009225.1, residues 1124-1144): FSPYLISDNL[Glu1134Val]QPMGSSHASQ